The following is an entry in ClinVar:

ClinVar aggregate classification (germline): Uncertain significance (1 of 4 stars; one submission).

gnomAD v4.1: 7 of 1,209,314 alleles (0.00058%); highest among the groups gnomAD compares: Non-Finnish European, 0.00078%; no homozygotes.

Submission:

GeneDx
Classification: Uncertain significance. Last evaluated: 2026-03-21. Review status: criteria provided, single submitter. Criteria: GeneDx Variant Classification Process June 2021. Collection method: clinical testing. Allele origin: germline.
Comment: In silico analysis supports that this missense variant has a deleterious effect on protein structure/function; Has not been previously published as pathogenic or benign to our knowledge

NM_001039591.3(USP9X):c.2918C>T (p.Pro973Leu)

Gene: USP9X (ubiquitin specific peptidase 9 X-linked; plus strand). Cytogenetic location: Xp11.4.
Variant type: single nucleotide variant.
Coding change: c.2918C>T on transcript NM_001039591.3 (MANE Select); coding-DNA position 2918, C replaced by T.
Protein change: p.Pro973Leu; replaces proline 973 with leucine.
Molecular consequence: missense variant.
Genome position (GRCh38, 1-based): chrX:41,170,510, C>T. VCF-style: chrX-41170510-C-T. GRCh37 (hg19) VCF-style: chrX-41029763-C-T.
Other names: c.2918C>T, p.Pro973Leu (NM_001039590.3); c.2933C>T, p.Pro978Leu (NM_001410748.1, NM_001410749.1, NM_001437534.1); short protein forms P973L, P978L.
Identifiers: ClinVar variation 4975054 (VCV004975054.1).